The following is an entry in ClinVar:

NM_019098.5(CNGB3):c.1756G>A (p.Ala586Thr)

Gene: CNGB3 (cyclic nucleotide gated channel subunit beta 3; minus strand). Cytogenetic location: 8q21.3.
Variant type: single nucleotide variant.
Coding change: c.1756G>A on transcript NM_019098.5 (MANE Select); coding-DNA position 1756, G replaced by A.
Protein change: p.Ala586Thr; replaces alanine 586 with threonine.
Molecular consequence: missense variant.
Genome position (GRCh38, 1-based): chr8:86,604,118, C>T on the plus strand (G>A on the coding strand, the complement: CNGB3 is on the minus strand). VCF-style: chr8-86604118-C-T. GRCh37 (hg19) VCF-style: chr8-87616346-C-T.
Other names: short protein forms A586T.
Identifiers: ClinVar variation 1430116 (VCV001430116.7), dbSNP rs186974377, ClinGen allele CA4799912.

ClinVar aggregate classification (germline): Uncertain significance (1 of 4 stars; one submission).

Allele frequency attached by ClinVar (database versions not stated): gnomAD exomes below 0.00001; ExAC 0.00001; gnomAD 0.00001; TOPMed 0.00001; 1000 Genomes Project 0.00020; 1000 Genomes Project 30x 0.00031.
gnomAD v4.1: 1 of 1,612,936 alleles (0.000062%); highest among the groups gnomAD compares: African/African-American, 0.0013%; no homozygotes.

Submission:

Labcorp Genetics (formerly Invitae), Labcorp
Classification: Uncertain significance. Last evaluated: 2024-08-05. Review status: criteria provided, single submitter. Criteria: Invitae Variant Classification Sherloc (09022015). Collection method: clinical testing. Allele origin: germline.
Comment: This sequence change replaces alanine, which is neutral and non-polar, with threonine, which is neutral and polar, at codon 586 of the CNGB3 protein (p.Ala586Thr). This variant is present in population databases (rs186974377, gnomAD 0.007%). This variant has not been reported in the literature in individuals affected with CNGB3-related conditions. ClinVar contains an entry for this variant (Variation ID: 1430116). Advanced modeling of protein sequence and biophysical properties (such as structural, functional, and spatial information, amino acid conservation, physicochemical variation, residue mobility, and thermodynamic stability) performed at Invitae indicates that this missense variant is not expected to disrupt CNGB3 protein function with a negative predictive value of 80%. In summary, the available evidence is currently insufficient to determine the role of this variant in disease. Therefore, it has been classified as a Variant of Uncertain Significance.